The following is an entry in ClinVar:

ClinVar aggregate classification (germline): Conflicting classifications of pathogenicity. Review status: criteria provided, conflicting classifications (1 of 4 stars). 5 submissions from 5 submitters: Uncertain significance (2); Likely benign (2). 1 of the submissions does not count toward it. Last evaluated 2025-03-01.

Conditions:
Alstrom syndrome (ALMS). Identifiers: Orphanet 64, MedGen C0268425, MONDO:0008763, OMIM 203800.
Cardiovascular phenotype. Identifiers: MedGen CN230736.

Allele frequency attached by ClinVar (database versions not stated): gnomAD 0.00001; TOPMed 0.00001; gnomAD exomes 0.00005; ExAC 0.00006.
gnomAD v4.1: 89 of 1,612,686 alleles (0.0055%); highest among the groups gnomAD compares: Middle Eastern, 0.016%; 1 homozygote.

Submissions (5):

CeGaT Center for Human Genetics Tuebingen
Classification: Likely benign. Last evaluated: 2025-03-01. Review status: criteria provided, single submitter. Criteria: CeGaT Center For Human Genetics Tuebingen Variant Classification Criteria Version 2. Collection method: clinical testing. Allele origin: germline. Affected: yes. Observed: 2 variant alleles.
Comment: ALMS1: BP4

Ambry Genetics
Classification: Likely benign for Cardiovascular phenotype. Last evaluated: 2024-12-02. Review status: criteria provided, single submitter. Criteria: Ambry Variant Classification Scheme 2023. Collection method: clinical testing. Allele origin: germline.

Labcorp Genetics (formerly Invitae), Labcorp
Classification: Uncertain significance for Alstrom syndrome. Last evaluated: 2022-09-27. Review status: criteria provided, single submitter. Criteria: Invitae Variant Classification Sherloc (09022015). Collection method: clinical testing. Allele origin: germline.
Comment: This sequence change replaces aspartic acid, which is acidic and polar, with asparagine, which is neutral and polar, at codon 149 of the ALMS1 protein (p.Asp149Asn). This variant is present in population databases (rs757606922, gnomAD 0.01%). This variant has not been reported in the literature in individuals affected with ALMS1-related conditions. ClinVar contains an entry for this variant (Variation ID: 970146). In summary, the available evidence is currently insufficient to determine the role of this variant in disease. Therefore, it has been classified as a Variant of Uncertain Significance.

Fulgent Genetics
Classification: Uncertain significance for Alstrom syndrome. Last evaluated: 2022-01-18. Review status: criteria provided, single submitter. Criteria: ACMG Guidelines, 2015. Collection method: clinical testing. Allele origin: unknown.

Natera, Inc.
Classification: Uncertain significance for Alstrom syndrome. Last evaluated: 2020-12-28. Review status: no assertion criteria provided. Collection method: clinical testing. Allele origin: germline. Not counted in ClinVar's aggregate classification.

NM_001378454.1(ALMS1):c.442G>A (p.Asp148Asn)

Gene: ALMS1 (ALMS1 centrosome and basal body associated protein; plus strand). Cytogenetic location: 2p13.1.
Variant type: single nucleotide variant.
Coding change: c.442G>A on transcript NM_001378454.1 (MANE Select); coding-DNA position 442, G replaced by A.
Protein change: p.Asp148Asn; replaces aspartic acid 148 with asparagine.
Molecular consequence: missense variant.
Genome position (GRCh38, 1-based): chr2:73,408,739, G>A. VCF-style: chr2-73408739-G-A. GRCh37 (hg19) VCF-style: chr2-73635867-G-A.
Other names: c.445G>A, p.Asp149Asn (NM_015120.4); short protein forms D149N, D148N.
Identifiers: ClinVar variation 970146 (VCV000970146.19), dbSNP rs757606922, ClinGen allele CA1712833.